The following is an entry in ClinVar:

ClinVar aggregate classification (germline): Uncertain significance (1 of 4 stars; one submission).

Conditions:
Myofibrillar myopathy 3 (MFM3). Also called: Autosomal dominant spheroid body myopathy; Muscular dystrophy, proximal, type 1A. Identifiers: Orphanet 266, Orphanet 268129, MedGen C3714934, MONDO:0012215, OMIM 609200.

Allele frequency attached by ClinVar (database versions not stated): TOPMed below 0.00001; ExAC 0.00001; gnomAD 0.00001; gnomAD exomes 0.00001.
gnomAD v4.1: 14 of 1,613,880 alleles (0.00087%); highest among the groups gnomAD compares: South Asian, 0.0022%; no homozygotes.

Submission:

Labcorp Genetics (formerly Invitae), Labcorp
Classification: Uncertain significance for Myofibrillar myopathy 3. Last evaluated: 2020-10-26. Review status: criteria provided, single submitter. Criteria: Invitae Variant Classification Sherloc (09022015). Collection method: clinical testing. Allele origin: germline.
Comment: In summary, the available evidence is currently insufficient to determine the role of this variant in disease. Therefore, it has been classified as a Variant of Uncertain Significance. Algorithms developed to predict the effect of missense changes on protein structure and function are either unavailable or do not agree on the potential impact of this missense change (SIFT: "Tolerated"; PolyPhen-2: "Probably Damaging"; Align-GVGD: "Class C0"). This variant has not been reported in the literature in individuals with MYOT-related conditions. This variant is present in population databases (rs766736443, ExAC 0.006%). This sequence change replaces glycine with glutamic acid at codon 481 of the MYOT protein (p.Gly481Glu). The glycine residue is moderately conserved and there is a moderate physicochemical difference between glycine and glutamic acid.

NM_006790.3(MYOT):c.1442G>A (p.Gly481Glu)

Genes: PKD2L2-DT (PKD2L2 divergent transcript; minus strand), MYOT (myotilin; plus strand). Cytogenetic location: 5q31.2.
Variant type: single nucleotide variant.
Coding change: c.1442G>A on transcript NM_006790.3 (MANE Select); coding-DNA position 1442, G replaced by A.
Protein change: p.Gly481Glu; replaces glycine 481 with glutamic acid.
Molecular consequence: missense variant.
Genome position (GRCh38, 1-based): chr5:137,887,330, G>A. VCF-style: chr5-137887330-G-A. GRCh37 (hg19) VCF-style: chr5-137223019-G-A.
Other names: c.890G>A, p.Gly297Glu (NM_001135940.2); c.1097G>A, p.Gly366Glu (NM_001300911.2); short protein forms G481E, G297E, G366E.
Identifiers: ClinVar variation 1044378 (VCV001044378.9), dbSNP rs766736443, ClinGen allele CA3423202.